The following is an entry in ClinVar:

NM_006231.4(POLE):c.1574A>G (p.Asn525Ser)

Gene: POLE (DNA polymerase epsilon, catalytic subunit; minus strand). Cytogenetic location: 12q24.33.
Variant type: single nucleotide variant.
Coding change: c.1574A>G on transcript NM_006231.4 (MANE Select); coding-DNA position 1574, A replaced by G.
Protein change: p.Asn525Ser; replaces asparagine 525 with serine.
Molecular consequence: missense variant.
Genome position (GRCh38, 1-based): chr12:132,672,739, T>C on the plus strand (A>G on the coding strand, the complement: POLE is on the minus strand). VCF-style: chr12-132672739-T-C. GRCh37 (hg19) VCF-style: chr12-133249325-T-C.
Other names: short protein forms N525S.
Identifiers: ClinVar variation 484455 (VCV000484455.16), dbSNP rs74878897, ClinGen allele CA6893910.

ClinVar aggregate classification (germline): Conflicting classifications of pathogenicity. Review status: criteria provided, conflicting classifications (1 of 4 stars). 5 submissions from 5 submitters: Uncertain significance (3); Likely benign (1). 1 of the submissions does not count toward it. Last evaluated 2025-07-06.

Conditions:
POLE-related disorder. Also called: POLE-related disorders; POLE-related condition.
Hereditary cancer-predisposing syndrome. Also called: Hereditary neoplastic syndrome; Neoplastic Syndromes, Hereditary; Tumor predisposition; Hereditary Cancer Syndrome. Identifiers: Orphanet 140162, MedGen C0027672, MeSH D009386, MONDO:0015356.

Allele frequency attached by ClinVar (database versions not stated): gnomAD exomes 0.00002 and 0.00003; gnomAD 0.00003 and 0.00004; ExAC 0.00004; TOPMed 0.00005; ESP Exome Variant Server 0.00023.

Submissions (5):

GeneDx
Classification: Uncertain significance. Last evaluated: 2025-07-06. Review status: criteria provided, single submitter. Criteria: GeneDx Variant Classification Process June 2021. Collection method: clinical testing. Allele origin: germline. Affected: yes.
Comment: In silico analysis supports that this missense variant has a deleterious effect on protein structure/function; Has not been previously published as pathogenic or benign to our knowledge

Labcorp Genetics (formerly Invitae), Labcorp
Classification: Uncertain significance. Last evaluated: 2024-12-26. Review status: criteria provided, single submitter. Criteria: Invitae Variant Classification Sherloc (09022015). Collection method: clinical testing. Allele origin: germline.
Comment: This sequence change replaces asparagine, which is neutral and polar, with serine, which is neutral and polar, at codon 525 of the POLE protein (p.Asn525Ser). This variant is present in population databases (rs74878897, gnomAD 0.03%). This variant has not been reported in the literature in individuals affected with POLE-related conditions. ClinVar contains an entry for this variant (Variation ID: 484455). Invitae Evidence Modeling of protein sequence and biophysical properties (such as structural, functional, and spatial information, amino acid conservation, physicochemical variation, residue mobility, and thermodynamic stability) indicates that this missense variant is not expected to disrupt POLE protein function with a negative predictive value of 80%. In summary, the available evidence is currently insufficient to determine the role of this variant in disease. Therefore, it has been classified as a Variant of Uncertain Significance.

Ambry Genetics
Classification: Likely benign for Hereditary cancer-predisposing syndrome. Last evaluated: 2024-12-08. Review status: criteria provided, single submitter. Criteria: Ambry Variant Classification Scheme 2023. Collection method: clinical testing. Allele origin: germline.

Blueprint Genetics
Classification: Uncertain significance. Last evaluated: 2020-04-30. Review status: criteria provided, single submitter. Criteria: ACMG Guidelines, 2015. Collection method: clinical testing. Allele origin: germline.

PreventionGenetics, part of Exact Sciences
Classification: Uncertain significance for POLE-related condition. Last evaluated: 2024-03-11. Review status: no assertion criteria provided. Collection method: clinical testing. Allele origin: germline. Not counted in ClinVar's aggregate classification.
Comment: The POLE c.1574A>G variant is predicted to result in the amino acid substitution p.Asn525Ser. To our knowledge, this variant has not been reported in the literature. This variant is reported in 0.016% of alleles in individuals of South Asian descent in gnomAD. This variant is interpreted as uncertain in ClinVar. Alternative variant at the same codon p.Asn525Asp has been observed in patient with colorectal cancer with microsatellite instability (Table S2, Chang et al 2020. PubMed ID: 431769227). At this time, the clinical significance of this variant is uncertain due to the absence of conclusive functional and genetic evidence.